The following is an entry in ClinVar:

ClinVar aggregate classification (germline): Uncertain significance. Review status: criteria provided, multiple submitters, no conflicts (2 of 4 stars). 4 submissions from 4 submitters: Uncertain significance (2). 2 of the submissions do not count toward it. Last evaluated 2022-10-24.

Conditions:
Tay-Sachs disease (TSD). Also called: HEXA DEFICIENCY; HEXA Disorders; GM2 gangliosidosis, type 1; Hexosaminidase alpha-subunit deficiency (variant B); Sphingolipidosis, Tay-Sachs; Hexosaminidase A Deficiency. Identifiers: Orphanet 845, MedGen C0039373, MONDO:0010100, OMIM 272800.

Allele frequency attached by ClinVar (database versions not stated): ExAC 0.00002; gnomAD 0.00002; gnomAD exomes 0.00002 and 0.00005; TOPMed 0.00002.

Submissions (4):

Labcorp Genetics (formerly Invitae), Labcorp
Classification: Uncertain significance for Tay-Sachs disease. Last evaluated: 2022-10-24. Review status: criteria provided, single submitter. Criteria: Invitae Variant Classification Sherloc (09022015). Collection method: clinical testing. Allele origin: germline.
Comment: This sequence change replaces arginine, which is basic and polar, with tryptophan, which is neutral and slightly polar, at codon 87 of the HEXA protein (p.Arg87Trp). This variant is present in population databases (rs573269641, gnomAD 0.005%). This variant has not been reported in the literature in individuals affected with HEXA-related conditions. ClinVar contains an entry for this variant (Variation ID: 439785). Algorithms developed to predict the effect of missense changes on protein structure and function output the following: SIFT: "Deleterious"; PolyPhen-2: "Benign"; Align-GVGD: "Class C0". The tryptophan amino acid residue is found in multiple mammalian species, which suggests that this missense change does not adversely affect protein function. Algorithms developed to predict the effect of sequence changes on RNA splicing suggest that this variant may disrupt the consensus splice site. In summary, the available evidence is currently insufficient to determine the role of this variant in disease. Therefore, it has been classified as a Variant of Uncertain Significance.

ARUP Laboratories, Molecular Genetics and Genomics, ARUP Laboratories
Classification: Uncertain significance. Last evaluated: 2017-04-10. Review status: criteria provided, single submitter. Criteria: ARUP Molecular Germline Variant Investigation Process. Collection method: clinical testing. Allele origin: germline.

Natera, Inc.
Classification: Uncertain significance for Tay-Sachs disease. Last evaluated: 2020-09-16. Review status: no assertion criteria provided. Collection method: clinical testing. Allele origin: germline. Not counted in ClinVar's aggregate classification.

Counsyl
Classification: Uncertain significance for Tay-Sachs disease. Last evaluated: 2017-11-16. Review status: no assertion criteria provided. Collection method: clinical testing. Allele origin: unknown. Not counted in ClinVar's aggregate classification.

NM_000520.6(HEXA):c.259C>T (p.Arg87Trp)

Gene: HEXA (hexosaminidase subunit alpha; minus strand). Cytogenetic location: 15q23.
Variant type: single nucleotide variant.
Coding change: c.259C>T on transcript NM_000520.6 (MANE Select); coding-DNA position 259, C replaced by T.
Protein change: p.Arg87Trp; replaces arginine 87 with tryptophan.
Molecular consequence: missense variant. On other transcripts: non-coding transcript variant (1).
Genome position (GRCh38, 1-based): chr15:72,356,612, G>A on the plus strand (C>T on the coding strand, the complement: HEXA is on the minus strand). VCF-style: chr15-72356612-G-A. GRCh37 (hg19) VCF-style: chr15-72648953-G-A.
Other names: c.292C>T, p.Arg98Trp (NM_001318825.2); short protein forms R87W, R98W.
Identifiers: ClinVar variation 439785 (VCV000439785.12), dbSNP rs573269641, ClinGen allele CA7645050.